The following is an entry in ClinVar:

ClinVar aggregate classification (germline): Likely pathogenic (1 of 4 stars; one submission).

Conditions:
Ellis-van Creveld syndrome (EVC). Also called: EVC-Related Ellis-van Creveld Syndrome; EVC2-Related Ellis-van Creveld Syndrome; MESOECTODERMAL DYSPLASIA; Chondroectodermal dysplasia. Identifiers: Orphanet 289, MedGen C0013903, MONDO:0009162, OMIM 225500.

Submission:

Myriad Genetics, Inc.
Classification: Likely pathogenic for Ellis-van Creveld syndrome. Last evaluated: 2022-02-20. Review status: criteria provided, single submitter. Criteria: Myriad Women's Health Autosomal Recessive and X-Linked Classification Criteria (2021). Collection method: clinical testing. Allele origin: unknown.
Comment: NM_147127.4(EVC2):c.2764A>T(K922*) is expected to be pathogenic in the context of EVC2-related Ellis-van Creveld syndrome. This variant is predicted to lead to an abnormal or absent protein product due to the creation of a premature termination codon in EVC2, a gene where loss-of-function variants are known to be pathogenic. Please note: this variant was assessed in the context of healthy population screening.

NM_147127.5(EVC2):c.2764A>T (p.Lys922Ter)

Gene: EVC2 (EvC ciliary complex subunit 2; minus strand). Cytogenetic location: 4p16.2.
Variant type: single nucleotide variant.
Coding change: c.2764A>T on transcript NM_147127.5 (MANE Select); coding-DNA position 2764, A replaced by T.
Protein change: p.Lys922Ter; replaces lysine 922 with a stop codon.
Molecular consequence: nonsense.
Genome position (GRCh38, 1-based): chr4:5,615,487, T>A on the plus strand (A>T on the coding strand, the complement: EVC2 is on the minus strand). VCF-style: chr4-5615487-T-A. GRCh37 (hg19) VCF-style: chr4-5617214-T-A.
Other names: c.2524A>T, p.Lys842Ter (NM_001166136.2); short protein forms K842*, K922*.
Identifiers: ClinVar variation 1724573 (VCV001724573.2), dbSNP rs2475350406, ClinGen allele CA356142334.
Genomic context (GRCh38, chr4:5,615,487, plus strand): 5'-CCACCAGGTCTTCAGAGGCCTGTTCCTCACAGAGGTGAATTTTGTCTTCGATGCACTTCT[T>A]CAGAAGCTCTCCCTTGCTTTTACTCTTGGACCGTGACTTTCTCACCTTGGACTGTTGCTG-3'